The following is an entry in ClinVar:

ClinVar aggregate classification (germline): Uncertain significance. Review status: criteria provided, multiple submitters, no conflicts (2 of 4 stars). 4 submissions from 4 submitters: Uncertain significance (3). 1 of the submissions does not count toward it. Last evaluated 2024-01-29.

Conditions:
CFTR-related disorder (CFTR-RD). Also called: CFTR-related disorders; CFTR-related condition. Identifiers: MedGen C5924204, MONDO:7770004.
Cystic fibrosis (CF). Also called: MUCOVISCIDOSIS. Identifiers: Orphanet 586, MedGen C0010674, MONDO:0009061, OMIM 219700. Disease mechanism: loss of function.

Allele frequency attached by ClinVar (database versions not stated): gnomAD exomes 0.00001; TOPMed 0.00001; ExAC 0.00002.
gnomAD v4.1: 20 of 1,614,002 alleles (0.0012%); highest among the groups gnomAD compares: Admixed American, 0.0017%; no homozygotes.

Submissions (4):

Ambry Genetics
Classification: Uncertain significance for Cystic fibrosis. Last evaluated: 2024-01-29. Review status: criteria provided, single submitter. Criteria: Ambry Variant Classification Scheme 2023. Collection method: clinical testing. Allele origin: germline.
Comment: The p.R1422Q variant (also known as c.4265G>A), located in coding exon 27 of the CFTR gene, results from a G to A substitution at nucleotide position 4265. The arginine at codon 1422 is replaced by glutamine, an amino acid with highly similar properties. This amino acid position is not well conserved in available vertebrate species. In addition, this alteration is predicted to be tolerated by in silico analysis. Based on the available evidence, the clinical significance of this alteration remains unclear.

Labcorp Genetics (formerly Invitae), Labcorp
Classification: Uncertain significance for Cystic fibrosis. Last evaluated: 2023-10-10. Review status: criteria provided, single submitter. Criteria: Invitae Variant Classification Sherloc (09022015). Collection method: clinical testing. Allele origin: germline.
Comment: This sequence change replaces arginine, which is basic and polar, with glutamine, which is neutral and polar, at codon 1422 of the CFTR protein (p.Arg1422Gln). This variant is present in population databases (rs780785939, gnomAD 0.003%). This variant has not been reported in the literature in individuals affected with CFTR-related conditions. ClinVar contains an entry for this variant (Variation ID: 993611). Advanced modeling of protein sequence and biophysical properties (such as structural, functional, and spatial information, amino acid conservation, physicochemical variation, residue mobility, and thermodynamic stability) performed at Invitae indicates that this missense variant is not expected to disrupt CFTR protein function. In summary, the available evidence is currently insufficient to determine the role of this variant in disease. Therefore, it has been classified as a Variant of Uncertain Significance.

ARUP Laboratories, Molecular Genetics and Genomics, ARUP Laboratories
Classification: Uncertain significance. Last evaluated: 2019-08-14. Review status: criteria provided, single submitter. Criteria: ARUP Molecular Germline Variant Investigation Process. Collection method: clinical testing. Allele origin: germline.
Comment: The CFTR c.4265G>A; p.Arg1422Gln variant (rs780785939), to our knowledge, is not reported in the medical literature or gene specific databases. This variant is found in the non-Finnish European population with an allele frequency of 0.003% (3/112966] alleles) in the Genome Aggregation Database. The arginine at codon 1422 is weakly conserved, and computational analyses (SIFT, PolyPhen-2) predict that this variant is tolerated. However, given the lack of clinical and functional data, the significance of this CFTR variant is uncertain at this time.

Natera, Inc.
Classification: Uncertain significance for CFTR-related disorders. Last evaluated: 2019-05-24. Review status: no assertion criteria provided. Collection method: clinical testing. Allele origin: germline. Not counted in ClinVar's aggregate classification.

NM_000492.4(CFTR):c.4265G>A (p.Arg1422Gln)

Genes: CFTR (CF transmembrane conductance regulator; plus strand), LOC111674477 (CFTR intron 23 enhancer; plus strand). Cytogenetic location: 7q31.2.
Variant type: single nucleotide variant.
Coding change: c.4265G>A on transcript NM_000492.4 (MANE Select); coding-DNA position 4265, G replaced by A.
Protein change: p.Arg1422Gln; replaces arginine 1422 with glutamine.
Molecular consequence: missense variant.
Genome position (GRCh38, 1-based): chr7:117,666,930, G>A. VCF-style: chr7-117666930-G-A. GRCh37 (hg19) VCF-style: chr7-117306984-G-A.
Other names: c.4265G>A (NM_000492.3); short protein forms R1422Q.
Identifiers: ClinVar variation 993611 (VCV000993611.13), dbSNP rs780785939, ClinGen allele CA4451680.